The following is an entry in ClinVar:

NM_023110.3(FGFR1):c.2040G>C (p.Gln680His)

Gene: FGFR1 (fibroblast growth factor receptor 1; minus strand). Cytogenetic location: 8p11.23.
Variant type: single nucleotide variant.
Coding change: c.2040G>C on transcript NM_023110.3 (MANE Select); coding-DNA position 2040, G replaced by C.
Protein change: p.Gln680His; replaces glutamine 680 with histidine.
Molecular consequence: missense variant.
Genome position (GRCh38, 1-based): chr8:38,414,567, C>G on the plus strand (G>C on the coding strand, the complement: FGFR1 is on the minus strand). VCF-style: chr8-38414567-C-G. GRCh37 (hg19) VCF-style: chr8-38272085-C-G.
Other names: c.2034G>C, p.Gln678His (NM_001174063.2, NM_001174065.2, NM_001354367.2 and 1 more transcripts); c.2010G>C, p.Gln670His (NM_001174064.2); c.1773G>C, p.Gln591His (NM_001174066.2, NM_023105.3); c.2133G>C, p.Gln711His (NM_001174067.2); c.1761G>C, p.Gln587His (NM_001354368.2); c.2028G>C, p.Gln676His (NM_001354369.2, NM_001410922.1); c.1767G>C, p.Gln589His (NM_001354370.2, NM_023106.3); short protein forms Q589H, Q591H, Q670H, Q676H, Q680H, Q711H, Q587H, Q678H.
Identifiers: ClinVar variation 4055909 (VCV004055909.1).

ClinVar aggregate classification (germline): Uncertain significance (1 of 4 stars; one submission).

Submission:

GeneDx
Classification: Uncertain significance. Last evaluated: 2025-01-05. Review status: criteria provided, single submitter. Criteria: GeneDx Variant Classification Process June 2021. Collection method: clinical testing. Allele origin: germline. Affected: yes.
Comment: Not observed at significant frequency in large population cohorts (gnomAD); In silico analysis supports that this missense variant has a deleterious effect on protein structure/function; Has not been previously published as pathogenic or benign to our knowledge